The following is an entry in ClinVar:

GRCh37/hg19 2q31.1(chr2:172344870-173038935)x4

Genes: CYBRD1 (cytochrome b reductase 1; plus strand), DLX1 (distal-less homeobox 1; plus strand), DLX2 (distal-less homeobox 2; minus strand), DYNC1I2 (dynein cytoplasmic 1 intermediate chain 2; plus strand), HAT1 (histone acetyltransferase 1; plus strand) and 2 more. Cytogenetic location: 2q31.1.
Variant type: copy number gain.
Change: copy number 4 of chr2:172,344,870-173,038,935 (694.1 kb, GRCh37 coordinates, 1-based), cytogenetic band 2q31.1.
Identifiers: ClinVar variation 559503 (VCV000559503.2).

ClinVar aggregate classification (germline): Uncertain significance (0 of 4 stars; one submission).

Conditions:
Bilateral conductive hearing impairment. Identifiers: MedGen C0452136, HP:0008513.
Abnormal esophagus physiology. Identifiers: MedGen C4476684, HP:0025270.
Isolated Pierre-Robin syndrome. Also called: Robin sequence; GLOSSOPTOSIS, MICROGNATHIA, AND CLEFT PALATE; Pierre-Robin sequence; pierre robin association; Pierre Robin Syndrome. Identifiers: Orphanet 718, MedGen C0031900, MONDO:0009869, OMIM 261800, HP:0000201.
Mild intellectual disability. Identifiers: MedGen C0026106, HP:0001256.

Submission:

Medical Genetics Lab, Policlinico S. Orsola.Malpighi
Classification: Uncertain significance. Last evaluated: 2018-05-01. Review status: no assertion criteria provided. Collection method: clinical testing. Allele origin: de novo. Inheritance: Sporadic. Affected: yes.
Comment: This trp2q31.1 is of de novo origin and is very rare: no triplication (or duplication) of this region are reported in DECIPHER. The triplicated region contains the DLX1/DLX2 genes and has shown association with autism susceptibility.

Literature cited by the submitters: DOI 10.1016/j.gene.2019.05.007.